The following is an entry in ClinVar:

NM_000551.4(VHL):c.340+10C>T

Gene: VHL (von Hippel-Lindau tumor suppressor; plus strand). Cytogenetic location: 3p25.3.
Variant type: single nucleotide variant.
Coding change: c.340+10C>T on transcript NM_000551.4 (MANE Select); 10 bases into the intron after coding-DNA position 340, C replaced by T.
Molecular consequence: intron variant.
Genome position (GRCh38, 1-based): chr3:10,142,197, C>T. VCF-style: chr3-10142197-C-T. GRCh37 (hg19) VCF-style: chr3-10183881-C-T.
Other names: c.340+10C>T (NM_001354723.2, NM_198156.3).
Identifiers: ClinVar variation 767027 (VCV000767027.14), dbSNP rs777622214, ClinGen allele CA040383.
Genomic context (GRCh38, chr3:10,142,197, plus strand): 5'-CCTACCCAACGCTGCCGCCTGGCACGGGCCGCCGCATCCACAGCTACCGAGGTACGGGCC[C>T]GGCGCTTAGGCCCGACCCAGCAGGGACGATAGCACGGTCTGAAGCCCCTCTACCGCCCCG-3'

ClinVar aggregate classification (germline): Benign/Likely benign. Review status: criteria provided, multiple submitters, no conflicts (2 of 4 stars). 3 submissions from 3 submitters: Benign (1); Likely benign (1). 1 of the submissions does not count toward it. Last evaluated 2025-09-27.

Conditions:
VHL-related disorder. Also called: VHL-related condition.
Von Hippel-Lindau syndrome (VHLS). Also called: Von Hippel-Lindau; von Hippel–Lindau syndrome; VHL syndrome. Identifiers: Orphanet 892, MedGen C0019562, MONDO:0008667, OMIM 193300. Disease mechanism: loss of function.
Chuvash polycythemia. Also called: POLYCYTHEMIA, VHL-DEPENDENT. Identifiers: Orphanet 238557, MedGen C1837915, MONDO:0009892, OMIM 263400.

Allele frequency attached by ClinVar (database versions not stated): TOPMed 0.00002; gnomAD 0.00006.
gnomAD v4.1: 8 of 1,596,164 alleles (0.0005%); highest among the groups gnomAD compares: African/African-American, 0.0053%; no homozygotes.

Submissions (3):

Labcorp Genetics (formerly Invitae), Labcorp
Classification: Likely benign for Von Hippel-Lindau syndrome; Chuvash polycythemia. Last evaluated: 2025-09-27. Review status: criteria provided, single submitter. Criteria: Invitae Variant Classification Sherloc (09022015). Collection method: clinical testing. Allele origin: germline.

Myriad Genetics, Inc.
Classification: Benign for Von Hippel-Lindau syndrome. Last evaluated: 2024-09-11. Review status: criteria provided, single submitter. Criteria: Myriad Autosomal Dominant, Autosomal Recessive and X-Linked Classification Criteria (2023). Collection method: clinical testing. Allele origin: unknown.
Comment: This variant is considered benign. This variant is intronic and is not expected to impact mRNA splicing. This variant has been observed at a population frequency that is significantly greater than expected given the associated disease prevalence and penetrance.

PreventionGenetics, part of Exact Sciences
Classification: Likely benign for VHL-related condition. Last evaluated: 2020-06-26. Review status: no assertion criteria provided. Collection method: clinical testing. Allele origin: germline. Not counted in ClinVar's aggregate classification.
Comment: This variant is classified as likely benign based on ACMG/AMP sequence variant interpretation guidelines (Richards et al. 2015 PMID: 25741868, with internal and published modifications).